The following is an entry in ClinVar:

NM_213599.3(ANO5):c.762+87G>A

Gene: ANO5 (anoctamin 5; plus strand). Cytogenetic location: 11p14.3.
Variant type: single nucleotide variant.
Coding change: c.762+87G>A on transcript NM_213599.3 (MANE Select); 87 bases into the intron after coding-DNA position 762, G replaced by A.
Molecular consequence: intron variant.
Genome position (GRCh38, 1-based): chr11:22,236,363, G>A. VCF-style: chr11-22236363-G-A. GRCh37 (hg19) VCF-style: chr11-22257909-G-A.
Other names: c.759+87G>A (NM_001142649.2).
Identifiers: ClinVar variation 140563 (VCV000140563.3), dbSNP rs11026471, ClinGen allele CA232800.

ClinVar aggregate classification (germline): Benign. Review status: criteria provided, multiple submitters, no conflicts (2 of 4 stars). 3 submissions from 3 submitters: Benign (2). 1 of the submissions does not count toward it. Last evaluated 2018-06-19.

Allele frequency attached by ClinVar (database versions not stated): gnomAD 0.15068 and 0.15642; 1000 Genomes Project 0.21226; 1000 Genomes Project 30x 0.21705; gnomAD exomes 0.02972; TOPMed 0.16893.
gnomAD v4.1: 52,562 of 1,116,780 alleles (4.7%); highest among the groups gnomAD compares: African/African-American, 48%; 8,896 homozygotes.

Submissions (3):

GeneDx
Classification: Benign. Last evaluated: 2018-06-19. Review status: criteria provided, single submitter. Criteria: GeneDx Variant Classification (06012015). Collection method: clinical testing. Allele origin: germline. Affected: yes.
Comment: This variant is considered likely benign or benign based on one or more of the following criteria: it is a conservative change, it occurs at a poorly conserved position in the protein, it is predicted to be benign by multiple in silico algorithms, and/or has population frequency not consistent with disease.

Breakthrough Genomics
Classification: Benign. Review status: criteria provided, single submitter. Criteria: ACMG Guidelines, 2015. Collection method: not provided. Allele origin: germline. Inheritance: Autosomal recessive inheritance. Affected: yes.

ANO5 @LOVD
No classification provided. Review status: no classification provided. Collection method: not provided. Allele origin: unknown. Not counted in ClinVar's aggregate classification.